The following is an entry in ClinVar:

ClinVar aggregate classification (germline): Conflicting classifications of pathogenicity. Review status: criteria provided, conflicting classifications (1 of 4 stars). 3 submissions from 3 submitters: Uncertain significance (1); Likely benign (2). Last evaluated 2024-03-19.

Conditions:
Pyruvate carboxylase deficiency. Also called: ATAXIA WITH LACTIC ACIDOSIS II; LEIGH NECROTIZING ENCEPHALOPATHY DUE TO PYRUVATE CARBOXYLASE DEFICIENCY; LEIGH SYNDROME DUE TO PYRUVATE CARBOXYLASE DEFICIENCY; PC DEFICIENCY; Pyruvate Carboxylase Deficiency Disease. Identifiers: Orphanet 3008, MedGen C0034341, MONDO:0009949, OMIM 266150.

Allele frequency attached by ClinVar (database versions not stated): ExAC 0.00001; gnomAD 0.00001; gnomAD exomes 0.00001; TOPMed 0.00002; ESP Exome Variant Server 0.00008.
gnomAD v4.1: 21 of 1,613,734 alleles (0.0013%); highest among the groups gnomAD compares: South Asian, 0.0033%; no homozygotes.

Submissions (3):

Labcorp Genetics (formerly Invitae), Labcorp
Classification: Likely benign for Pyruvate carboxylase deficiency. Last evaluated: 2024-03-19. Review status: criteria provided, single submitter. Criteria: Invitae Variant Classification Sherloc (09022015). Collection method: clinical testing. Allele origin: germline.

Illumina Laboratory Services, Illumina
Classification: Uncertain significance for Pyruvate carboxylase deficiency. Last evaluated: 2018-01-13. Review status: criteria provided, single submitter. Criteria: ICSL Variant Classification Criteria 13 December 2019. Collection method: clinical testing. Allele origin: germline.

GeneDx
Classification: Likely benign. Last evaluated: 2017-12-26. Review status: criteria provided, single submitter. Criteria: GeneDx Variant Classification (06012015). Collection method: clinical testing. Allele origin: germline. Affected: yes.
Comment: This variant is considered likely benign or benign based on one or more of the following criteria: it is a conservative change, it occurs at a poorly conserved position in the protein, it is predicted to be benign by multiple in silico algorithms, and/or has population frequency not consistent with disease.

NM_001040716.2(PC):c.927C>T (p.Thr309=)

Gene: PC (pyruvate carboxylase; minus strand). Cytogenetic location: 11q13.2.
Variant type: single nucleotide variant.
Coding change: c.927C>T on transcript NM_001040716.2 (MANE Select); coding-DNA position 927, C replaced by T.
Protein change: p.Thr309=; no amino-acid change (threonine 309 retained).
Molecular consequence: synonymous variant.
Genome position (GRCh38, 1-based): chr11:66,868,941, G>A on the plus strand (C>T on the coding strand, the complement: PC is on the minus strand). VCF-style: chr11-66868941-G-A. GRCh37 (hg19) VCF-style: chr11-66636412-G-A.
Other names: c.927C>T, p.Thr309= (NM_000920.4, NM_022172.3).
Identifiers: ClinVar variation 305630 (VCV000305630.14), dbSNP rs373717650, ClinGen allele CA6132059.
Genomic context (GRCh38, chr11:66,868,941, plus strand): 5'-CAGGCGGGAGTTGACCTCGATGAAGTAGTGCTTGCCGTGCCTGTCCACCAGGAACTCCAC[G>A]GTGCCTGCGTTCTCGTAGCCCACCTGTGGGGGCGGCCACGTGAGCAGGGGAGGGCACAGG-3'
Protein context (NP_001035806.1, residues 299-319): AKQVGYENAG[Thr309=]VEFLVDRHGK